The following is an entry in ClinVar:

ClinVar aggregate classification (germline): Uncertain significance. Review status: criteria provided, multiple submitters, no conflicts (2 of 4 stars). 2 submissions from 2 submitters: Uncertain significance (2). Last evaluated 2025-11-18.

Conditions:
Frasier syndrome. Identifiers: Orphanet 347, MedGen C0950122, MeSH D052159, MONDO:0007635, OMIM 136680.
Drash syndrome (DDS). Also called: NEPHROPATHY, WILMS TUMOR, AND GENITAL ANOMALIES; WILMS TUMOR AND PSEUDO- OR TRUE HERMAPHRODITISM. Identifiers: Orphanet 220, MedGen C0950121, MONDO:0008682, OMIM 194080.
Wilms tumor 1 (WT1). Also called: Wilms tumor, somatic. Identifiers: Orphanet 654, MedGen CN033288, MONDO:0008679, OMIM 194070.
11p partial monosomy syndrome (WAGR). Also called: CHROMOSOME 11p13 DELETION SYNDROME; WAGR syndrome; WAGR Complex; WAGR Spectrum Disorder. Identifiers: Orphanet 893, MedGen C0206115, MONDO:0008681, OMIM 194072.
Inborn genetic diseases. Identifiers: MedGen C0950123, MeSH D030342.

Submissions (2):

Ambry Genetics
Classification: Uncertain significance for Inborn genetic diseases. Last evaluated: 2025-11-18. Review status: criteria provided, single submitter. Criteria: Ambry Variant Classification Scheme 2023. Collection method: clinical testing. Allele origin: germline.
Comment: The p.S158R variant (also known as c.474C>G), located in coding exon 1 of the WT1 gene, results from a C to G substitution at nucleotide position 474. The serine at codon 158 is replaced by arginine, an amino acid with dissimilar properties. This amino acid position is conserved. In addition, this alteration is predicted to be tolerated by in silico analysis. Based on the available evidence, the clinical significance of this variant remains unclear.

Labcorp Genetics (formerly Invitae), Labcorp
Classification: Uncertain significance for Wilms tumor 1; Drash syndrome; 11p partial monosomy syndrome; Frasier syndrome. Last evaluated: 2025-09-14. Review status: criteria provided, single submitter. Criteria: Invitae Variant Classification Sherloc (09022015). Collection method: clinical testing. Allele origin: germline.
Comment: This sequence change replaces serine, which is neutral and polar, with arginine, which is basic and polar, at codon 158 of the WT1 protein (p.Ser158Arg). This variant is not present in population databases (gnomAD no frequency). This variant has not been reported in the literature in individuals affected with WT1-related conditions. ClinVar contains an entry for this variant (Variation ID: 2937658). Invitae Evidence Modeling of protein sequence and biophysical properties (such as structural, functional, and spatial information, amino acid conservation, physicochemical variation, residue mobility, and thermodynamic stability) indicates that this missense variant is not expected to disrupt WT1 protein function with a negative predictive value of 95%. In summary, the available evidence is currently insufficient to determine the role of this variant in disease. Therefore, it has been classified as a Variant of Uncertain Significance.

NM_024426.6(WT1):c.489C>G (p.Ser163Arg)

Genes: WT1 (WT1 transcription factor; minus strand), LOC107982234 (WT1/WT1-AS bi-directional promoter region; plus strand). Cytogenetic location: 11p13.
Variant type: single nucleotide variant.
Coding change: c.489C>G on transcript NM_024426.6 (MANE Select); coding-DNA position 489, C replaced by G.
Protein change: p.Ser163Arg; replaces serine 163 with arginine.
Molecular consequence: missense variant. On other transcripts: non-coding transcript variant (2).
Genome position (GRCh38, 1-based): chr11:32,434,872, G>C on the plus strand (C>G on the coding strand, the complement: WT1 is on the minus strand). VCF-style: chr11-32434872-G-C. GRCh37 (hg19) VCF-style: chr11-32456418-G-C.
Other names: c.474C>G (NM_024426.4); c.489C>G, p.Ser163Arg (NM_000378.6, NM_001407044.1, NM_001407045.1 and 6 more transcripts); c.474C>G, p.Ser158Arg (NM_024425.2); short protein forms S158R, S163R.
Identifiers: ClinVar variation 2937658 (VCV002937658.4), dbSNP rs908414065, ClinGen allele CA379964901.